The following is an entry in ClinVar:

ClinVar aggregate classification (germline): Uncertain significance (1 of 4 stars; one submission).

Conditions:
Neurodevelopmental disorder with microcephaly, ataxia, and seizures. Identifiers: MedGen C4540188, MONDO:0060577, OMIM 617709.

gnomAD v4.1: 200 of 1,603,026 alleles (0.012%); highest among the groups gnomAD compares: East Asian, 0.23%; no homozygotes.

Submission:

Juno Genomics, Hangzhou Juno Genomics, Inc
Classification: Uncertain significance for Neurodevelopmental disorder with microcephaly, ataxia, and seizures. Review status: criteria provided, single submitter. Criteria: ACMG Guidelines, 2015. Collection method: clinical testing. Allele origin: germline.
Comment: Absent from controls (or at extremely low frequency if recessive) in Genome Aggregation Database.;Multiple lines of computational evidence support a deleterious effect on the gene or gene product.;Missense variant in a gene that has a low rate of benign missense variation.

NM_006513.4(SARS1):c.464T>A (p.Val155Glu)

Gene: SARS1 (seryl-tRNA synthetase 1; plus strand). Cytogenetic location: 1p13.3.
Variant type: single nucleotide variant.
Coding change: c.464T>A on transcript NM_006513.4 (MANE Select); coding-DNA position 464, T replaced by A.
Protein change: p.Val155Glu; replaces valine 155 with glutamic acid.
Molecular consequence: missense variant.
Genome position (GRCh38, 1-based): chr1:109,230,894, T>A. VCF-style: chr1-109230894-T-A. GRCh37 (hg19) VCF-style: chr1-109773516-T-A.
Other names: c.464T>A, p.Val155Glu (NM_001330669.1); short protein forms V155E.
Identifiers: ClinVar variation 5019419 (VCV005019419.2).
Genomic context (GRCh38, chr1:109,230,894, plus strand): 5'-AAATCATATGTCTTGTATGTCTCTTTCTTGCTCTGTTTCCTTAGGATGTGGACAACAAAG[T>A]AGAGAGGATTTGGGGTGATTGTACAGTCAGGAAGAAGTACTCTCATGTGGACCTGGTGGT-3'
Protein context (NP_006504.2, residues 145-165): ISNDEDVDNK[Val155Glu]ERIWGDCTVR